The following is an entry in ClinVar:

NM_001378969.1(KCND3):c.1255C>T (p.Arg419Cys)

Gene: KCND3 (potassium voltage-gated channel subfamily D member 3; minus strand). Cytogenetic location: 1p13.2.
Variant type: single nucleotide variant.
Coding change: c.1255C>T on transcript NM_001378969.1 (MANE Select); coding-DNA position 1255, C replaced by T.
Protein change: p.Arg419Cys; replaces arginine 419 with cysteine.
Molecular consequence: missense variant.
Genome position (GRCh38, 1-based): chr1:111,786,958, G>A on the plus strand (C>T on the coding strand, the complement: KCND3 is on the minus strand). VCF-style: chr1-111786958-G-A. GRCh37 (hg19) VCF-style: chr1-112329580-G-A.
Other names: c.1255C>T, p.Arg419Cys (NM_001378970.1, NM_004980.5, NM_172198.3); short protein forms R419C.
Identifiers: ClinVar variation 1761706 (VCV001761706.2), dbSNP rs1440651109, ClinGen allele CA341660481.

ClinVar aggregate classification (germline): Uncertain significance (1 of 4 stars; one submission).

Conditions:
Cardiovascular phenotype. Identifiers: MedGen CN230736.

Allele frequency attached by ClinVar (database versions not stated): gnomAD exomes below 0.00001.

Submission:

Ambry Genetics
Classification: Uncertain significance for Cardiovascular phenotype. Last evaluated: 2021-02-16. Review status: criteria provided, single submitter. Criteria: Ambry Variant Classification Scheme 2023. Collection method: clinical testing. Allele origin: germline.
Comment: The p.R419C variant (also known as c.1255C>T), located in coding exon 2 of the KCND3 gene, results from a C to T substitution at nucleotide position 1255. The arginine at codon 419 is replaced by cysteine, an amino acid with highly dissimilar properties. This amino acid position is highly conserved in available vertebrate species. In addition, this alteration is predicted to be deleterious by in silico analysis. Since supporting evidence is limited at this time, the clinical significance of this alteration remains unclear.